The following is an entry in ClinVar:

ClinVar aggregate classification (germline): Uncertain significance. Review status: criteria provided, multiple submitters, no conflicts (2 of 4 stars). 2 submissions from 2 submitters: Uncertain significance (2). Last evaluated 2026-07-06.

Conditions:
Hereditary cancer-predisposing syndrome. Also called: Neoplastic Syndromes, Hereditary; Hereditary neoplastic syndrome; Hereditary Cancer Syndrome; Tumor predisposition. Identifiers: Orphanet 140162, MedGen C0027672, MeSH D009386, MONDO:0015356.
Tuberous sclerosis 2 (TSC2). Identifiers: Orphanet 805, MedGen C1860707, MONDO:0013199, OMIM 613254.

Submissions (2):

Ambry Genetics
Classification: Uncertain significance for Hereditary cancer-predisposing syndrome. Last evaluated: 2026-07-06. Review status: criteria provided, single submitter. Criteria: Ambry Variant Classification Scheme 2023. Collection method: clinical testing. Allele origin: germline.
Comment: The p.A103V variant (also known as c.308C>T), located in coding exon 3 of the TSC2 gene, results from a C to T substitution at nucleotide position 308. The alanine at codon 103 is replaced by valine, an amino acid with similar properties. This amino acid position is conserved. In addition, this alteration is predicted to be tolerated by in silico analysis. Based on the available evidence, the clinical significance of this variant remains unclear.

Labcorp Genetics (formerly Invitae), Labcorp
Classification: Uncertain significance for Tuberous sclerosis 2. Last evaluated: 2024-04-29. Review status: criteria provided, single submitter. Criteria: Invitae Variant Classification Sherloc (09022015). Collection method: clinical testing. Allele origin: germline.
Comment: This sequence change replaces alanine, which is neutral and non-polar, with valine, which is neutral and non-polar, at codon 103 of the TSC2 protein (p.Ala103Val). This variant is not present in population databases (gnomAD no frequency). This variant has not been reported in the literature in individuals affected with TSC2-related conditions. ClinVar contains an entry for this variant (Variation ID: 467989). Advanced modeling of protein sequence and biophysical properties (such as structural, functional, and spatial information, amino acid conservation, physicochemical variation, residue mobility, and thermodynamic stability) performed at Invitae indicates that this missense variant is not expected to disrupt TSC2 protein function with a negative predictive value of 95%. In summary, the available evidence is currently insufficient to determine the role of this variant in disease. Therefore, it has been classified as a Variant of Uncertain Significance.

NM_000548.5(TSC2):c.308C>T (p.Ala103Val)

Gene: TSC2 (TSC complex subunit 2; plus strand). Cytogenetic location: 16p13.3.
Variant type: single nucleotide variant.
Coding change: c.308C>T on transcript NM_000548.5 (MANE Select); coding-DNA position 308, C replaced by T.
Protein change: p.Ala103Val; replaces alanine 103 with valine.
Molecular consequence: missense variant. On other transcripts: intron variant (2).
Genome position (GRCh38, 1-based): chr16:2,053,424, C>T. VCF-style: chr16-2053424-C-T. GRCh37 (hg19) VCF-style: chr16-2103425-C-T.
Other names: c.308C>T, p.Ala103Val (NM_001077183.3, NM_001114382.3, NM_001363528.2 and 3 more transcripts); c.161C>T, p.Ala54Val (NM_001318829.2); c.341C>T, p.Ala114Val (NM_001318832.2); c.226-872C>T (NM_001318827.2); c.-1-2772C>T (NM_001318831.2); short protein forms A103V, A114V, A54V.
Identifiers: ClinVar variation 467989 (VCV000467989.9), dbSNP rs1555497043, ClinGen allele CA394305903.
Genomic context (GRCh38, chr16:2,053,424, plus strand): 5'-AGGCGGTCGCGGATCTGTTGCAGCCGGAGCGGCCGCTGGAGGCCCGGCACGCGGTGCTGG[C>T]TCTGCTGAAGGCCATCGTGCAGGGGCAGGTAAGGCCCAGGGCGACGCTGGGATGGGTGAC-3'
Protein context (NP_000539.2, residues 93-113): RPLEARHAVL[Ala103Val]LLKAIVQGQG